The following is an entry in ClinVar:

ClinVar aggregate classification (germline): Uncertain significance (1 of 4 stars; one submission).

Conditions:
Cardiovascular phenotype. Identifiers: MedGen CN230736.

Allele frequency attached by ClinVar (database versions not stated): ExAC 0.00001; gnomAD exomes 0.00001; TOPMed 0.00001.
gnomAD v4.1: 8 of 1,610,702 alleles (0.0005%); highest among the groups gnomAD compares: Non-Finnish European, 0.00068%; no homozygotes.

Submission:

Ambry Genetics
Classification: Uncertain significance for Cardiovascular phenotype. Last evaluated: 2024-01-13. Review status: criteria provided, single submitter. Criteria: Ambry Variant Classification Scheme 2023. Collection method: clinical testing. Allele origin: germline.
Comment: The p.T46I variant (also known as c.137C>T), located in coding exon 2 of the GPD1L gene, results from a C to T substitution at nucleotide position 137. The threonine at codon 46 is replaced by isoleucine, an amino acid with similar properties. This amino acid position is conserved. In addition, this alteration is predicted to be tolerated by in silico analysis. Since supporting evidence is limited at this time, the clinical significance of this alteration remains unclear.

NM_015141.4(GPD1L):c.137C>T (p.Thr46Ile)

Gene: GPD1L (glycerol-3-phosphate dehydrogenase 1 like; plus strand). Cytogenetic location: 3p22.3.
Variant type: single nucleotide variant.
Coding change: c.137C>T on transcript NM_015141.4 (MANE Select); coding-DNA position 137, C replaced by T.
Protein change: p.Thr46Ile; replaces threonine 46 with isoleucine.
Molecular consequence: missense variant.
Genome position (GRCh38, 1-based): chr3:32,128,165, C>T. VCF-style: chr3-32128165-C-T. GRCh37 (hg19) VCF-style: chr3-32169657-C-T.
Other names: short protein forms T46I.
Identifiers: ClinVar variation 3226638 (VCV003226638.1), dbSNP rs780357018, ClinGen allele CA2296556.